The following is an entry in ClinVar:

ClinVar aggregate classification (germline): Likely pathogenic (1 of 4 stars; one submission).

Conditions:
MHC class II deficiency. Also called: Bare lymphocyte syndrome 2; BLS, TYPE II. Identifiers: Orphanet 572, MedGen C5447452, MONDO:0008855.

gnomAD v4.1: 9 of 1,613,674 alleles (0.00056%); highest among the groups gnomAD compares: Non-Finnish European, 0.00076%; no homozygotes.

Submission:

Women's Health and Genetics/Laboratory Corporation of America, LabCorp
Classification: Likely pathogenic for MHC class II deficiency. Last evaluated: 2024-10-14. Review status: criteria provided, single submitter. Criteria: LabCorp Variant Classification Summary - May 2015. Collection method: clinical testing. Allele origin: germline.
Comment: Variant summary: RFXAP c.600+1G>T is located in a canonical splice-site and is predicted to affect mRNA splicing resulting in a significantly altered protein due to either exon skipping, shortening, or inclusion of intronic material. Variants that disrupt the consensus splice site are a relatively common cause of aberrant splicing and loss of RFXAP function. The variant was absent in 249216 control chromosomes. To our knowledge, no occurrence of c.600+1G>T in individuals affected with Bare Lymphocyte Syndrome 2 - RFXAP Related and no experimental evidence demonstrating its impact on protein function have been reported. No submitters have cited clinical-significance assessments for this variant to ClinVar. Based on the evidence outlined above, the variant was classified as likely pathogenic.

NM_000538.4(RFXAP):c.600+1G>T

Genes: RFXAP (regulatory factor X associated protein; plus strand), LOC130009575 (ATAC-STARR-seq lymphoblastoid active region 7590; plus strand). Cytogenetic location: 13q13.3.
Variant type: single nucleotide variant.
Coding change: c.600+1G>T on transcript NM_000538.4 (MANE Select); the canonical splice donor site of the intron after coding-DNA position 600, G replaced by T.
Molecular consequence: splice donor variant.
Genome position (GRCh38, 1-based): chr13:36,819,958, G>T. VCF-style: chr13-36819958-G-T. GRCh37 (hg19) VCF-style: chr13-37394095-G-T.
Identifiers: ClinVar variation 3384716 (VCV003384716.1).